The following is an entry in ClinVar:

NM_015192.4(PLCB1):c.3188+8C>T

Gene: PLCB1 (phospholipase C beta 1; plus strand). Cytogenetic location: 20p12.3.
Variant type: single nucleotide variant.
Coding change: c.3188+8C>T on transcript NM_015192.4 (MANE Select); 8 bases into the intron after coding-DNA position 3188, C replaced by T.
Molecular consequence: intron variant.
Genome position (GRCh38, 1-based): chr20:8,788,533, C>T. VCF-style: chr20-8788533-C-T. GRCh37 (hg19) VCF-style: chr20-8769180-C-T.
Other names: p.?; c.3188+8C>T (NM_182734.3).
Identifiers: ClinVar variation 129912 (VCV000129912.31), dbSNP rs2327089, ClinGen allele CA154285.

ClinVar aggregate classification (germline): Benign/Likely benign. Review status: criteria provided, multiple submitters, no conflicts (2 of 4 stars). 14 submissions from 14 submitters: Benign (12); Likely benign (1). 1 of the submissions does not count toward it. Last evaluated 2026-02-04.

Conditions:
Inborn genetic diseases. Identifiers: MedGen C0950123, MeSH D030342.
Developmental and epileptic encephalopathy, 12 (DEE12). Identifiers: MedGen C3150988, MONDO:0013389, OMIM 613722.

Allele frequency attached by ClinVar (database versions not stated): ESP Exome Variant Server 0.89143; TOPMed 0.89212; 1000 Genomes Project 30x 0.89241; gnomAD 0.89617 and 0.90097; 1000 Genomes Project 0.89696; ExAC 0.94079; gnomAD exomes 0.94684 and 0.95747.
gnomAD v4.1: 1,533,810 of 1,611,776 alleles (95%); highest among the groups gnomAD compares: East Asian, 100%; 731,822 homozygotes.

Submissions (14):

Labcorp Genetics (formerly Invitae), Labcorp
Classification: Benign for Developmental and epileptic encephalopathy, 12. Last evaluated: 2026-02-04. Review status: criteria provided, single submitter. Criteria: Invitae Variant Classification Sherloc (09022015). Collection method: clinical testing. Allele origin: germline.

Blueprint Genetics
Classification: Likely benign. Last evaluated: 2024-11-28. Review status: criteria provided, single submitter. Criteria: ACMG Guidelines, 2015. Collection method: clinical testing. Allele origin: germline.

Unidad de Genómica Garrahan, Hospital de Pediatría Garrahan
Classification: Benign. Last evaluated: 2024-07-15. Review status: criteria provided, single submitter. Criteria: ACMG Guidelines, 2015. Collection method: clinical testing. Allele origin: germline. Affected: no. Observed: 87 variant alleles.
Comment: This variant is classified as Benign based on local population frequency. This variant was detected in 94% of patients studied in a panel designed for Epileptic and Developmental Encephalopathy and Progressive Myoclonus Epilepsy. Number of patients: 87. Only high quality variants are reported.

Genome-Nilou Lab
Classification: Benign for Developmental and epileptic encephalopathy, 12. Last evaluated: 2021-09-05. Review status: criteria provided, single submitter. Criteria: ACMG Guidelines, 2015. Collection method: clinical testing. Allele origin: germline. Affected: no.

GeneDx
Classification: Benign. Last evaluated: 2020-11-20. Review status: criteria provided, single submitter. Criteria: GeneDx Variant Classification Process June 2021. Collection method: clinical testing. Allele origin: germline. Affected: yes.

Mayo Clinic Laboratories, Mayo Clinic
Classification: Benign. Last evaluated: 2018-04-02. Review status: criteria provided, single submitter. Criteria: ACMG Guidelines, 2015. Collection method: clinical testing. Allele origin: germline. Observed: 564 variant alleles.

Athena Diagnostics
Classification: Benign. Last evaluated: 2017-04-20. Review status: criteria provided, single submitter. Criteria: Athena Diagnostics Criteria. Collection method: clinical testing. Allele origin: germline.

Ambry Genetics
Classification: Benign for Inborn genetic diseases. Last evaluated: 2016-05-31. Review status: criteria provided, single submitter. Criteria: Ambry Variant Classification Scheme 2023. Collection method: clinical testing. Allele origin: germline.

Genome Diagnostics Laboratory, University Medical Center Utrecht
Classification: Benign for Developmental and epileptic encephalopathy, 12. Last evaluated: 2014-10-09. Review status: criteria provided, single submitter. Criteria: ACGS Guidelines, 2013. Collection method: clinical testing. Allele origin: germline. Affected: yes. Study: VKGL Data-share Consensus.

Eurofins Ntd Llc (ga)
Classification: Benign. Last evaluated: 2014-01-24. Review status: criteria provided, single submitter. Criteria: EGL Classification Definitions 2015. Collection method: clinical testing. Allele origin: germline. Observed: 1 variant allele, 1 homozygote.

Genetic Services Laboratory, University of Chicago
Classification: Benign for AllHighlyPenetrant. Last evaluated: 2013-04-25. Review status: criteria provided, single submitter. Criteria: ACMG Guidelines, 2007. Collection method: clinical testing. Allele origin: germline. Inheritance: Autosomal recessive inheritance.

Breakthrough Genomics
Classification: Benign. Review status: criteria provided, single submitter. Criteria: ACMG Guidelines, 2015. Collection method: not provided. Allele origin: germline. Inheritance: Autosomal recessive inheritance. Affected: yes.

PreventionGenetics, part of Exact Sciences
Classification: Benign. Review status: criteria provided, single submitter. Criteria: ACMG Guidelines, 2015. Collection method: clinical testing. Allele origin: germline.

Diagnostic Laboratory, Department of Genetics, University Medical Center Groningen
Classification: Benign for Developmental and epileptic encephalopathy, 12. Review status: no assertion criteria provided. Collection method: clinical testing. Allele origin: germline. Affected: yes. Study: VKGL Data-share Consensus. Not counted in ClinVar's aggregate classification.